The following is an entry in ClinVar:

ClinVar aggregate classification (somatic clinical impact): Tier I - Strong (1 of 4 stars; one submission).

Conditions:
Adrenal cortex carcinoma. Also called: Adrenocortical carcinoma. Identifiers: Orphanet 1501, MedGen C0206686, MeSH D018268, MONDO:0006639, HP:0006744.

Submission:

Institute for Genomic Medicine (IGM) Clinical Laboratory, Nationwide Children's Hospital
Classification: Tier I - Strong for Adrenal cortex carcinoma. Assertion type: diagnostic. Clinical significance: supports diagnosis. Last evaluated: 2022-12-21. Review status: criteria provided, single submitter. Criteria: AMP/ASCO/CAP Guidelines, 2017. Collection method: clinical testing. Allele origin: somatic. Affected: yes.
Comment: Variant has Tier I (strong) clinical significance as a diagnostic inclusion criterion in adrenal cortex carcinoma, based on the following evidence: 1) Appears in one or more well-established professional guidelines (e.g., World Health Organization [WHO]; National Comprehensive Cancer Network [NCCN]) as providing diagnostic, prognostic, or therapeutic information. 2) Diagnostic for a specific tumor type/classification based on well-powered studies with expert-level consensus (Evidence Level B; PMIDs: 26106367, 26676358, 27165744, 29872083).

Literature cited by the submitters: PubMed 26106367; PubMed 26676358; PubMed 27165744; PubMed 29872083.

NM_001206998.2(ZNRF3):c.988T>C (p.Cys330Arg)

Gene: ZNRF3 (zinc and ring finger 3; plus strand). Cytogenetic location: 22q12.1.
Variant type: single nucleotide variant.
Coding change: c.988T>C on transcript NM_001206998.2 (MANE Select); coding-DNA position 988, T replaced by C.
Protein change: p.Cys330Arg; replaces cysteine 330 with arginine.
Molecular consequence: missense variant.
Genome position (GRCh38, 1-based): chr22:29,048,464, T>C. VCF-style: chr22-29048464-T-C. GRCh37 (hg19) VCF-style: chr22-29444452-T-C.
Other names: c.688T>C, p.Cys230Arg (NM_032173.4); short protein forms C230R, C330R.
Identifiers: ClinVar variation 4530240 (VCV004530240.1).